The following is an entry in ClinVar:

ClinVar aggregate classification (germline): Uncertain significance (1 of 4 stars; one submission).

Conditions:
Charcot-Marie-Tooth disease axonal type 2Z. Also called: CHARCOT-MARIE-TOOTH DISEASE, AXONAL, AUTOSOMAL DOMINANT, TYPE 2Z; CHARCOT-MARIE-TOOTH NEUROPATHY, TYPE 2Z. Identifiers: Orphanet 466768, MedGen C5569025, MONDO:0014736, OMIM 616688.

gnomAD v4.1: 2 of 1,613,988 alleles (0.00012%); highest among the groups gnomAD compares: Non-Finnish European, 0.000085%; no homozygotes.

Submission:

Labcorp Genetics (formerly Invitae), Labcorp
Classification: Uncertain significance for Charcot-Marie-Tooth disease axonal type 2Z. Last evaluated: 2024-09-14. Review status: criteria provided, single submitter. Criteria: Invitae Variant Classification Sherloc (09022015). Collection method: clinical testing. Allele origin: germline.
Comment: This sequence change replaces histidine, which is basic and polar, with glutamine, which is neutral and polar, at codon 798 of the MORC2 protein (p.His798Gln). This variant is not present in population databases (gnomAD no frequency). This variant has not been reported in the literature in individuals affected with MORC2-related conditions. Invitae Evidence Modeling of protein sequence and biophysical properties (such as structural, functional, and spatial information, amino acid conservation, physicochemical variation, residue mobility, and thermodynamic stability) indicates that this missense variant is not expected to disrupt MORC2 protein function with a negative predictive value of 95%. In summary, the available evidence is currently insufficient to determine the role of this variant in disease. Therefore, it has been classified as a Variant of Uncertain Significance.

NM_001303256.3(MORC2):c.2394C>A (p.His798Gln)

Gene: MORC2 (MORC family CW-type zinc finger 2; minus strand). Cytogenetic location: 22q12.2.
Variant type: single nucleotide variant.
Coding change: c.2394C>A on transcript NM_001303256.3 (MANE Select); coding-DNA position 2394, C replaced by A.
Protein change: p.His798Gln; replaces histidine 798 with glutamine.
Molecular consequence: missense variant.
Genome position (GRCh38, 1-based): chr22:30,933,017, G>T on the plus strand (C>A on the coding strand, the complement: MORC2 is on the minus strand). VCF-style: chr22-30933017-G-T. GRCh37 (hg19) VCF-style: chr22-31329004-G-T.
Other names: c.2394C>A, p.His798Gln (NM_001303257.2); c.2208C>A, p.His736Gln (NM_014941.3); short protein forms H736Q, H798Q.
Identifiers: ClinVar variation 3637769 (VCV003637769.2).